The following is an entry in ClinVar:

ClinVar aggregate classification (germline): Uncertain significance (1 of 4 stars; one submission).

Allele frequency attached by ClinVar (database versions not stated): gnomAD exomes 0.00005 and 0.00014; ExAC 0.00007; ESP Exome Variant Server 0.00008; TOPMed 0.00011; gnomAD 0.00015 and 0.00016.
gnomAD v4.1: 91 of 1,587,352 alleles (0.0057%); highest among the groups gnomAD compares: African/African-American, 0.024%; no homozygotes.

Submission:

Labcorp Genetics (formerly Invitae), Labcorp
Classification: Uncertain significance. Last evaluated: 2022-06-27. Review status: criteria provided, single submitter. Criteria: Invitae Variant Classification Sherloc (09022015). Collection method: clinical testing. Allele origin: germline.
Comment: This sequence change replaces isoleucine, which is neutral and non-polar, with valine, which is neutral and non-polar, at codon 116 of the HELLS protein (p.Ile116Val). This variant is present in population databases (rs147153698, gnomAD 0.1%). This variant has not been reported in the literature in individuals affected with HELLS-related conditions. Algorithms developed to predict the effect of missense changes on protein structure and function output the following: SIFT: "Tolerated"; PolyPhen-2: "Benign"; Align-GVGD: "Class C0". The valine amino acid residue is found in multiple mammalian species, which suggests that this missense change does not adversely affect protein function. In summary, the available evidence is currently insufficient to determine the role of this variant in disease. Therefore, it has been classified as a Variant of Uncertain Significance.

NM_018063.5(HELLS):c.346A>G (p.Ile116Val)

Gene: HELLS (helicase, lymphoid specific; plus strand). Cytogenetic location: 10q23.33.
Variant type: single nucleotide variant.
Coding change: c.346A>G on transcript NM_018063.5 (MANE Select); coding-DNA position 346, A replaced by G.
Protein change: p.Ile116Val; replaces isoleucine 116 with valine.
Molecular consequence: missense variant. On other transcripts: 5 prime UTR variant (4).
Genome position (GRCh38, 1-based): chr10:94,562,703, A>G. VCF-style: chr10-94562703-A-G. GRCh37 (hg19) VCF-style: chr10-96322460-A-G.
Other names: c.346A>G, p.Ile116Val (NM_001289067.2, NM_001289069.2, NM_001289070.2 and 1 more transcripts); c.298A>G, p.Ile100Val (NM_001289068.2); c.-27A>G (NM_001289071.2); c.-4A>G (NM_001289073.2); c.-657A>G (NM_001289074.2); c.-676A>G (NM_001289075.2); short protein forms I100V, I116V.
Identifiers: ClinVar variation 1372484 (VCV001372484.3), dbSNP rs147153698, ClinGen allele CA5615251.